The following is an entry in ClinVar:

ClinVar aggregate classification (germline): Likely benign (1 of 4 stars; one submission).

Allele frequency attached by ClinVar (database versions not stated): gnomAD 0.00001; gnomAD exomes 0.00002; TOPMed 0.00003; ExAC 0.00005; ESP Exome Variant Server 0.00008.

Submission:

CeGaT Center for Human Genetics Tuebingen
Classification: Likely benign. Last evaluated: 2022-10-01. Review status: criteria provided, single submitter. Criteria: CeGaT Center For Human Genetics Tuebingen Variant Classification Criteria Version 2. Collection method: clinical testing. Allele origin: germline. Affected: yes. Observed: 1 variant allele.
Comment: PTPRE: BP4, BP7

NM_006504.6(PTPRE):c.852C>T (p.Pro284=)

Gene: PTPRE (protein tyrosine phosphatase receptor type E; plus strand). Cytogenetic location: 10q26.2.
Variant type: single nucleotide variant.
Coding change: c.852C>T on transcript NM_006504.6 (MANE Select); coding-DNA position 852, C replaced by T.
Protein change: p.Pro284=; no amino-acid change (proline 284 retained).
Molecular consequence: synonymous variant.
Genome position (GRCh38, 1-based): chr10:128,068,131, C>T. VCF-style: chr10-128068131-C-T. GRCh37 (hg19) VCF-style: chr10-129866395-C-T.
Other names: c.885C>T, p.Pro295= (NM_001316676.2); c.852C>T, p.Pro284= (NM_001316677.2, NM_001323354.2); c.912C>T, p.Pro304= (NM_001323355.2); c.906C>T, p.Pro302= (NM_001323356.2); c.192C>T, p.Pro64= (NM_001323357.2); c.678C>T, p.Pro226= (NM_130435.5).
Identifiers: ClinVar variation 2640962 (VCV002640962.24), dbSNP rs372533990, ClinGen allele CA5745170.